The following is an entry in ClinVar:

ClinVar aggregate classification (germline): Conflicting classifications of pathogenicity. Review status: criteria provided, conflicting classifications (1 of 4 stars). 4 submissions from 3 submitters: Uncertain significance (1); Benign (1); Likely benign (2). Last evaluated 2024-10-18.

Conditions:
Autosomal recessive ataxia, Beauce type. Also called: SYNE1-Related Autosomal Recessive Cerebellar Ataxia; Spinocerebellar ataxia, autosomal recessive 8; ATAXIA, RECESSIVE, OF BEAUCE; SYNE1 Deficiency. Identifiers: Orphanet 88644, MedGen C1853116, MONDO:0012549, OMIM 610743.
Emery-Dreifuss muscular dystrophy 4, autosomal dominant (EDMD4). Also called: EMERY-DREIFUSS MUSCULAR DYSTROPHY 4 WITH VARIABLE FEATURES. Identifiers: Orphanet 261, MedGen C2751807, MONDO:0013071, OMIM 612998.

Allele frequency attached by ClinVar (database versions not stated): gnomAD 0.00002 and 0.00007; TOPMed 0.00003; gnomAD exomes 0.00016 and 0.00008; ExAC 0.00013.

Submissions (4):

Labcorp Genetics (formerly Invitae), Labcorp
Classification: Likely benign for Emery-Dreifuss muscular dystrophy 4, autosomal dominant; Autosomal recessive ataxia, Beauce type. Last evaluated: 2024-10-18. Review status: criteria provided, single submitter. Criteria: Invitae Variant Classification Sherloc (09022015). Collection method: clinical testing. Allele origin: germline.

Blueprint Genetics
Classification: Likely benign. Last evaluated: 2023-08-11. Review status: criteria provided, single submitter. Criteria: ACMG Guidelines, 2015. Collection method: clinical testing. Allele origin: germline.

Illumina Laboratory Services, Illumina
Classification: Benign for Emery-Dreifuss muscular dystrophy 4, autosomal dominant. Last evaluated: 2018-01-13. Review status: criteria provided, single submitter. Criteria: ICSL Variant Classification Criteria 13 December 2019. Collection method: clinical testing. Allele origin: germline.
Comment: This variant was observed in the ICSL laboratory as part of a predisposition screen in an ostensibly healthy population. It had not been previously curated by ICSL or reported in the Human Gene Mutation Database (HGMD: prior to June 1st, 2018), and was therefore a candidate for classification through an automated scoring system. Utilizing variant allele frequency, disease prevalence and penetrance estimates, and inheritance mode, an automated score was calculated to assess if this variant is too frequent to cause the disease. Based on the score and internal cut-off values, a variant classified as benign is not then subjected to further curation. The score for this variant resulted in a classification of benign for this disease.

Illumina Laboratory Services, Illumina
Classification: Uncertain significance for Autosomal recessive ataxia, Beauce type. Last evaluated: 2018-01-13. Review status: criteria provided, single submitter. Criteria: ICSL Variant Classification Criteria 13 December 2019. Collection method: clinical testing. Allele origin: germline.

NM_182961.4(SYNE1):c.23978+11A>T

Gene: SYNE1 (spectrin repeat containing nuclear envelope protein 1; minus strand). Cytogenetic location: 6q25.2.
Variant type: single nucleotide variant.
Coding change: c.23978+11A>T on transcript NM_182961.4 (MANE Select); 11 bases into the intron after coding-DNA position 23978, A replaced by T.
Molecular consequence: intron variant.
Genome position (GRCh38, 1-based): chr6:152,155,899, T>A on the plus strand (A>T on the coding strand, the complement: SYNE1 is on the minus strand). VCF-style: chr6-152155899-T-A. GRCh37 (hg19) VCF-style: chr6-152477034-T-A.
Other names: c.23765+11A>T (NM_033071.5); c.584+11A>T (NM_001347701.2); c.443+11A>T (NM_001347702.2).
Identifiers: ClinVar variation 355816 (VCV000355816.13), dbSNP rs754355745, ClinGen allele CA4053306.
Genomic context (GRCh38, chr6:152,155,899, plus strand): 5'-GATACTCTGGGTGATTTTTATTTTCTTTTTGGTCTTTCCTCTTCCCTATCTGTTTCAGCA[T>A]CCCAGCTCACTTCAGCCTCCTTTCCATGGACATAGCACAAATGTTTCTCCACCGCCGGTC-3'